The following is an entry in ClinVar:

ClinVar aggregate classification (germline): Conflicting classifications of pathogenicity. Review status: criteria provided, conflicting classifications (1 of 4 stars). 3 submissions from 3 submitters: Uncertain significance (2); Likely benign (1). Last evaluated 2025-02-16.

Conditions:
Inborn genetic diseases. Identifiers: MedGen C0950123, MeSH D030342.

Allele frequency attached by ClinVar (database versions not stated): gnomAD exomes below 0.00001; gnomAD 0.00001; ExAC 0.00002.
gnomAD v4.1: 6 of 1,614,052 alleles (0.00037%); highest among the groups gnomAD compares: African/African-American, 0.004%; no homozygotes.

Submissions (3):

Laboratory of Genetics, Children's Clinical University Hospital Latvia
Classification: Likely benign. Last evaluated: 2025-02-16. Review status: criteria provided, single submitter. Criteria: ACMG Guidelines, 2015. Collection method: clinical testing. Allele origin: germline. Affected: yes.

Ambry Genetics
Classification: Uncertain significance for Inborn genetic diseases. Last evaluated: 2024-01-19. Review status: criteria provided, single submitter. Criteria: Ambry Variant Classification Scheme 2023. Collection method: clinical testing. Allele origin: germline.

Labcorp Genetics (formerly Invitae), Labcorp
Classification: Uncertain significance. Last evaluated: 2023-01-24. Review status: criteria provided, single submitter. Criteria: Invitae Variant Classification Sherloc (09022015). Collection method: clinical testing. Allele origin: germline.
Comment: In summary, the available evidence is currently insufficient to determine the role of this variant in disease. Therefore, it has been classified as a Variant of Uncertain Significance. Algorithms developed to predict the effect of missense changes on protein structure and function (SIFT, PolyPhen-2, Align-GVGD) all suggest that this variant is likely to be tolerated. This variant has not been reported in the literature in individuals affected with TCF20-related conditions. This variant is present in population databases (rs746307234, gnomAD 0.006%). This sequence change replaces arginine, which is basic and polar, with glutamine, which is neutral and polar, at codon 719 of the TCF20 protein (p.Arg719Gln).

NM_001378418.1(TCF20):c.2156G>A (p.Arg719Gln)

Gene: TCF20 (transcription factor 20; minus strand). Cytogenetic location: 22q13.2.
Variant type: single nucleotide variant.
Coding change: c.2156G>A on transcript NM_001378418.1 (MANE Select); coding-DNA position 2156, G replaced by A.
Protein change: p.Arg719Gln; replaces arginine 719 with glutamine.
Molecular consequence: missense variant.
Genome position (GRCh38, 1-based): chr22:42,213,150, C>T on the plus strand (G>A on the coding strand, the complement: TCF20 is on the minus strand). VCF-style: chr22-42213150-C-T. GRCh37 (hg19) VCF-style: chr22-42609156-C-T.
Other names: c.2156G>A (NM_005650.1); c.2156G>A, p.Arg719Gln (NM_005650.4, NM_181492.3); short protein forms R719Q.
Identifiers: ClinVar variation 3013936 (VCV003013936.5), dbSNP rs746307234, ClinGen allele CA10267051.